The following is an entry in ClinVar:

ClinVar aggregate classification (germline): Uncertain significance (1 of 4 stars; one submission).

Allele frequency attached by ClinVar (database versions not stated): gnomAD 0.00005; ExAC 0.00007; ESP Exome Variant Server 0.00015.

Submission:

Labcorp Genetics (formerly Invitae), Labcorp
Classification: Uncertain significance. Last evaluated: 2026-01-05. Review status: criteria provided, single submitter. Criteria: Invitae Variant Classification Sherloc (09022015). Collection method: clinical testing. Allele origin: germline.
Comment: This sequence change replaces serine, which is neutral and polar, with leucine, which is neutral and non-polar, at codon 132 of the SLC39A14 protein (p.Ser132Leu). This variant is present in population databases (rs143724214, gnomAD 0.09%). This variant has not been reported in the literature in individuals affected with SLC39A14-related conditions. ClinVar contains an entry for this variant (Variation ID: 2192246). Invitae Evidence Modeling of protein sequence and biophysical properties (such as structural, functional, and spatial information, amino acid conservation, physicochemical variation, residue mobility, and thermodynamic stability) indicates that this missense variant is not expected to disrupt SLC39A14 protein function with a negative predictive value of 80%. In summary, the available evidence is currently insufficient to determine the role of this variant in disease. Therefore, it has been classified as a Variant of Uncertain Significance.

NM_001128431.4(SLC39A14):c.395C>T (p.Ser132Leu)

Gene: SLC39A14 (solute carrier family 39 member 14; plus strand). Cytogenetic location: 8p21.3.
Variant type: single nucleotide variant.
Coding change: c.395C>T on transcript NM_001128431.4 (MANE Select); coding-DNA position 395, C replaced by T.
Protein change: p.Ser132Leu; replaces serine 132 with leucine.
Molecular consequence: missense variant.
Genome position (GRCh38, 1-based): chr8:22,408,434, C>T. VCF-style: chr8-22408434-C-T. GRCh37 (hg19) VCF-style: chr8-22265947-C-T.
Other names: c.395C>T, p.Ser132Leu (NM_001135153.3, NM_001135154.3, NM_001351655.2 and 3 more transcripts); c.425C>T, p.Ser142Leu (NM_001351657.2, NM_001351658.2, NM_001351659.2); short protein forms S132L, S142L.
Identifiers: ClinVar variation 2192246 (VCV002192246.4), dbSNP rs143724214, ClinGen allele CA4667295.
Genomic context (GRCh38, chr8:22,408,434, plus strand): 5'-GCGAGCTCCAGGAGTTCTGCCCCACCATCCTCCAGCAGCTGGATTCCCGGGCCTGCACCT[C>T]GGAGAACCAGGAAAACGAGGAGAATGAGCAGACGGAGGAGGGGCGGCCAAGCGCTGTTGA-3'
Protein context (NP_001121903.1, residues 122-142): LQQLDSRACT[Ser132Leu]ENQENEENEQ